The following is an entry in ClinVar:

NM_000321.3(RB1):c.718+4_718+7del

Gene: RB1 (RB transcriptional corepressor 1; plus strand). Cytogenetic location: 13q14.2.
Variant type: Microsatellite.
Coding change: c.718+4_718+7del on transcript NM_000321.3 (MANE Select); bases 4 to 7 of the intron after coding-DNA position 718, 4 bases deleted (AGTA; older notation c.718+4_718+7delAGTA).
Molecular consequence: splice donor variant.
Genome position (GRCh38, 1-based): chr13:48,360,131-48,360,134, AGTA deleted; deleting any 4 consecutive bases within chr13:48,360,127-48,360,134 gives the same sequence; the c. name uses the placement nearest the transcript's 3' end. VCF-style (leftmost placement, unchanged base first): chr13-48360126-TAGTA-T. GRCh37 (hg19) VCF-style: chr13-48934262-TAGTA-T.
Other names: c.718+4_718+7del (NM_001407165.1, NM_001407166.1).
Identifiers: ClinVar variation 4543959 (VCV004543959.1).

ClinVar aggregate classification (germline): Likely pathogenic (1 of 4 stars; one submission).

Conditions:
Hereditary cancer-predisposing syndrome. Also called: Tumor predisposition; Hereditary Cancer Syndrome; Hereditary neoplastic syndrome; Neoplastic Syndromes, Hereditary. Identifiers: Orphanet 140162, MedGen C0027672, MeSH D009386, MONDO:0015356.

Submission:

Ambry Genetics
Classification: Likely pathogenic for Hereditary cancer-predisposing syndrome. Last evaluated: 2025-11-03. Review status: criteria provided, single submitter. Criteria: Ambry Variant Classification Scheme 2023. Collection method: clinical testing. Allele origin: germline.
Comment: The c.718+4_718+7delAGTA intronic variant, located in intron 7 of the RB1 gene, results from a deletion of 4 nucleotides within intron 7 of the RB1 gene. This nucleotide position is highly conserved in available vertebrate species. In silico splice site analysis predicts that this alteration will weaken the native splice donor site. Other variants impacting the same donor site (c.718+5G>A, c.718+5G>T) have been identified in individuals with features consistent with RB1-related hereditary retinoblastoma (Jakubowska A et al. Hum Mutat, 2001 Nov;18:459; Rushlow D et al. Hum Mutat, 2009 May;30:842-51; Ambry internal data). This variant is considered to be rare based on population cohorts in the Genome Aggregation Database (gnomAD). Based on the majority of available evidence to date, this variant is likely to be pathogenic.